The following is an entry in ClinVar:

ClinVar aggregate classification (germline): Uncertain significance (1 of 4 stars; one submission).

Conditions:
Hereditary cancer-predisposing syndrome. Also called: Neoplastic Syndromes, Hereditary; Tumor predisposition; Hereditary neoplastic syndrome; Hereditary Cancer Syndrome. Identifiers: Orphanet 140162, MedGen C0027672, MeSH D009386, MONDO:0015356.

gnomAD v4.1: 2 of 1,613,416 alleles (0.00012%); highest among the groups gnomAD compares: Non-Finnish European, 0.00017%; no homozygotes.

Submission:

Ambry Genetics
Classification: Uncertain significance for Hereditary cancer-predisposing syndrome. Last evaluated: 2026-07-07. Review status: criteria provided, single submitter. Criteria: Ambry Variant Classification Scheme 2023. Collection method: clinical testing. Allele origin: germline.
Comment: The p.I748L variant (also known as c.2242A>C), located in coding exon 16 of the KIT gene, results from an A to C substitution at nucleotide position 2242. The isoleucine at codon 748 is replaced by leucine, an amino acid with highly similar properties. This amino acid position is conserved. In addition, this alteration is predicted to be tolerated by in silico analysis. Based on the available evidence, the clinical significance of this variant remains unclear.

NM_000222.3(KIT):c.2242A>C (p.Ile748Leu)

Gene: KIT (KIT proto-oncogene, receptor tyrosine kinase; plus strand). Cytogenetic location: 4q12.
Variant type: single nucleotide variant.
Coding change: c.2242A>C on transcript NM_000222.3 (MANE Select); coding-DNA position 2242, A replaced by C.
Protein change: p.Ile748Leu; replaces isoleucine 748 with leucine.
Molecular consequence: missense variant.
Genome position (GRCh38, 1-based): chr4:54,731,879, A>C. VCF-style: chr4-54731879-A-C. GRCh37 (hg19) VCF-style: chr4-55598045-A-C.
Other names: c.2230A>C, p.Ile744Leu (NM_001093772.2, NM_001385292.1); c.2245A>C, p.Ile749Leu (NM_001385284.1); c.2239A>C, p.Ile747Leu (NM_001385285.1); c.2227A>C, p.Ile743Leu (NM_001385286.1); c.2233A>C, p.Ile745Leu (NM_001385288.1); c.2242A>C, p.Ile748Leu (NM_001385290.1); short protein forms I747L, I743L, I744L, I745L, I748L, I749L.
Identifiers: ClinVar variation 5023322 (VCV005023322.1).